The following is an entry in ClinVar:

ClinVar aggregate classification (germline): Uncertain significance. Review status: criteria provided, multiple submitters, no conflicts (2 of 4 stars). 2 submissions from 2 submitters: Uncertain significance (2). Last evaluated 2025-08-13.

Conditions:
Hereditary cancer-predisposing syndrome. Also called: Hereditary Cancer Syndrome; Hereditary neoplastic syndrome; Tumor predisposition; Neoplastic Syndromes, Hereditary. Identifiers: Orphanet 140162, MedGen C0027672, MeSH D009386, MONDO:0015356.

Submissions (2):

Color Diagnostics, LLC DBA Color Health
Classification: Uncertain significance for Hereditary cancer-predisposing syndrome. Last evaluated: 2025-08-13. Review status: criteria provided, single submitter. Criteria: ACMG Guidelines, 2015. Collection method: clinical testing. Allele origin: germline.
Comment: This missense variant replaces methionine with isoleucine at codon 834 of the PMS2 protein. Computational prediction suggests that this variant may have deleterious impact on protein structure and function. To our knowledge, functional studies have not been reported for this variant. This variant has not been reported in individuals affected with PMS2-related disorders in the literature. This variant has not been identified in the general population by the Genome Aggregation Database (gnomAD). The available evidence is insufficient to determine the role of this variant in disease conclusively. Therefore, this variant is classified as a Variant of Uncertain Significance.

Ambry Genetics
Classification: Uncertain significance for Hereditary cancer-predisposing syndrome. Last evaluated: 2018-07-03. Review status: criteria provided, single submitter. Criteria: Ambry Variant Classification Scheme 2023. Collection method: clinical testing. Allele origin: germline.
Comment: The p.M834I variant (also known as c.2502G>A), located in coding exon 15 of the PMS2 gene, results from a G to A substitution at nucleotide position 2502. The methionine at codon 834 is replaced by isoleucine, an amino acid with highly similar properties. This amino acid position is highly conserved in available vertebrate species. In addition, this alteration is predicted to be deleterious by in silico analysis. Since supporting evidence is limited at this time, the clinical significance of this alteration remains unclear.

NM_000535.7(PMS2):c.2502G>A (p.Met834Ile)

Gene: PMS2 (PMS1 homolog 2, mismatch repair system component; minus strand). Cytogenetic location: 7p22.1.
Variant type: single nucleotide variant.
Coding change: c.2502G>A on transcript NM_000535.7 (MANE Select); coding-DNA position 2502, G replaced by A.
Protein change: p.Met834Ile; replaces methionine 834 with isoleucine.
Molecular consequence: missense variant. On other transcripts: non-coding transcript variant (1).
Genome position (GRCh38, 1-based): chr7:5,973,486, C>T on the plus strand (G>A on the coding strand, the complement: PMS2 is on the minus strand). VCF-style: chr7-5973486-C-T. GRCh37 (hg19) VCF-style: chr7-6013117-C-T.
Other names: c.2097G>A, p.Met699Ile (NM_001018040.1, NM_001322003.2, NM_001322004.2 and 12 more transcripts); c.2346G>A, p.Met782Ile (NM_001322006.2); c.2184G>A, p.Met728Ile (NM_001322007.2, NM_001322008.2, NM_001406883.1); c.2130G>A, p.Met710Ile (NM_001322009.2, NM_001406887.1, NM_001406888.1); c.1941G>A, p.Met647Ile (NM_001322010.2, NM_001406906.1, NM_001406907.1); c.1569G>A, p.Met523Ile (NM_001322011.2, NM_001322012.2); c.1929G>A, p.Met643Ile (NM_001322013.2, NM_001406908.1, NM_001406909.1); c.2535G>A, p.Met845Ile (NM_001322014.2); and 20 more; short protein forms M663I, M842I, M845I, M433I, M643I, M699I, M786I, M834I.
Identifiers: ClinVar variation 1792274 (VCV001792274.3), dbSNP rs1554292818, ClinGen allele CA366734921.